The following is an entry in ClinVar:

NM_016507.4(CDK12):c.859T>C (p.Ser287Pro)

Genes: CDK12 (cyclin dependent kinase 12; plus strand), LOC126862553 (CDK7 strongly-dependent group 2 enhancer GRCh37_chr17:37618166-37619365; plus strand). Cytogenetic location: 17q12.
Variant type: single nucleotide variant.
Coding change: c.859T>C on transcript NM_016507.4 (MANE Select); coding-DNA position 859, T replaced by C.
Protein change: p.Ser287Pro; replaces serine 287 with proline.
Molecular consequence: missense variant.
Genome position (GRCh38, 1-based): chr17:39,462,930, T>C. VCF-style: chr17-39462930-T-C. GRCh37 (hg19) VCF-style: chr17-37619183-T-C.
Other names: c.859T>C, p.Ser287Pro (NM_015083.4); short protein forms S287P.
Identifiers: ClinVar variation 2621346 (VCV002621346.3), dbSNP rs762770417, ClinGen allele CA8531041.

ClinVar aggregate classification (germline): Uncertain significance (1 of 4 stars; one submission).

Allele frequency attached by ClinVar (database versions not stated): gnomAD exomes below 0.00001; ExAC 0.00002.
gnomAD v4.1: 4 of 1,614,122 alleles (0.00025%); highest among the groups gnomAD compares: South Asian, 0.0044%; no homozygotes.

Submission:

Ambry Genetics
Classification: Uncertain significance. Last evaluated: 2025-03-31. Review status: criteria provided, single submitter. Criteria: Ambry Variant Classification Scheme 2023. Collection method: clinical testing. Allele origin: germline.
Comment: The p.S287P variant (also known as c.859T>C), located in coding exon 1 of the CDK12 gene, results from a T to C substitution at nucleotide position 859. The serine at codon 287 is replaced by proline, an amino acid with similar properties. This amino acid position is conserved. In addition, this alteration is predicted to be tolerated by in silico analysis. Based on the available evidence, the clinical significance of this variant remains unclear.